The following is an entry in ClinVar:

NM_003024.3(ITSN1):c.472del (p.Leu158fs)

Gene: ITSN1 (intersectin 1; plus strand). Cytogenetic location: 21q22.11.
Variant type: Deletion.
Coding change: c.472del on transcript NM_003024.3 (MANE Select); coding-DNA position 472, one base deleted (C; older notation c.472delC).
Protein change: p.Leu158fs; shifts the reading frame from leucine 158.
Molecular consequence: frameshift variant.
Genome position (GRCh38, 1-based): chr21:33,750,268, C deleted; the last of 7 consecutive C bases (chr21:33,750,262-33,750,268); deleting any one gives the same sequence. VCF-style (leftmost placement, unchanged base first): chr21-33750261-GC-G. GRCh37 (hg19) VCF-style: chr21-35122566-GC-G.
Other names: c.472del, p.Leu158fs (NM_001001132.2, NM_001331008.2, NM_001331009.2 and 2 more transcripts); c.361del, p.Leu121fs (NM_001331012.2); short protein forms L121fs, L158fs.
Identifiers: ClinVar variation 4891043 (VCV004891043.1).

ClinVar aggregate classification (germline): Uncertain significance (1 of 4 stars; one submission).

Submission:

Greenwood Genetic Center Diagnostic Laboratories, Greenwood Genetic Center
Classification: Uncertain significance. Last evaluated: 2026-04-28. Review status: criteria provided, single submitter. Criteria: ACMG Guidelines, 2015. Collection method: clinical testing. Allele origin: germline.
Comment: Gene of Uncertain Significance